The following is an entry in ClinVar:

NM_002470.4(MYH3):c.4173-3A>C

Gene: MYH3 (myosin heavy chain 3; minus strand). Cytogenetic location: 17p13.1.
Variant type: single nucleotide variant.
Coding change: c.4173-3A>C on transcript NM_002470.4 (MANE Select); 3 bases into the intron before coding-DNA position 4173, A replaced by C.
Molecular consequence: intron variant.
Genome position (GRCh38, 1-based): chr17:10,635,026, T>G on the plus strand (A>C on the coding strand, the complement: MYH3 is on the minus strand). VCF-style: chr17-10635026-T-G. GRCh37 (hg19) VCF-style: chr17-10538343-T-G.
Identifiers: ClinVar variation 1475990 (VCV001475990.6), dbSNP rs2142389010, ClinGen allele CA2573152954.
Genomic context (GRCh38, chr17:10,635,026, plus strand): 5'-AGCATTCACTGCCTCAACCTGTTCCTCGGAATCTTGAAGGCGCTGAGCAAGTTTTTTCCT[T>G]AAAGAATATGAAAGAGAAGCAGCTGTTATTTCAGTTTCCATCCACTTGAACATCACTATT-3'

ClinVar aggregate classification (germline): Uncertain significance (1 of 4 stars; one submission).

Submission:

Labcorp Genetics (formerly Invitae), Labcorp
Classification: Uncertain significance. Last evaluated: 2021-11-27. Review status: criteria provided, single submitter. Criteria: Invitae Variant Classification Sherloc (09022015). Collection method: clinical testing. Allele origin: germline.
Comment: This variant is not present in population databases (gnomAD no frequency). This sequence change falls in intron 30 of the MYH3 gene. It does not directly change the encoded amino acid sequence of the MYH3 protein. It affects a nucleotide within the consensus splice site. In summary, the available evidence is currently insufficient to determine the role of this variant in disease. Therefore, it has been classified as a Variant of Uncertain Significance. Variants that disrupt the consensus splice site are a relatively common cause of aberrant splicing (PMID: 17576681, 9536098). Algorithms developed to predict the effect of sequence changes on RNA splicing suggest that this variant may create or strengthen a splice site. This variant has not been reported in the literature in individuals affected with MYH3-related conditions.

Literature cited by the submitters: PubMed 17576681; PubMed 9536098.